The following is an entry in ClinVar:

ClinVar aggregate classification (germline): Likely pathogenic (3 of 4 stars; one submission).

Conditions:
Phenylketonuria (PKU). Also called: Phenylketonuria (PKU); OLIGOPHRENIA PHENYLPYRUVICA; FOLLING DISEASE; Phenylketonurias. Identifiers: Orphanet 716, MedGen C0031485, MONDO:0009861, OMIM 261600. Disease mechanism: loss of function.

Submission:

ClinGen PAH Variant Curation Expert Panel
Classification: Likely pathogenic for Phenylketonuria. Last evaluated: 2021-05-15. Review status: reviewed by expert panel. Criteria: ClinGen PAH ACMG Specifications v1. Collection method: curation. Allele origin: germline. Inheritance: Autosomal recessive inheritance.
Comment: The exon is present in biologically-relevant transcripts. This variant is absent in population databases. In summary, this variant meets criteria to be classified as likely pathogenic for PAH. PAH-specific ACMG/AMP criteria applied: PVS1_strong, PM2, PP4.

NM_000277.3(PAH):c.1282del (p.Gln428fs)

Gene: PAH (phenylalanine hydroxylase; minus strand). Cytogenetic location: 12q23.2.
Variant type: Deletion.
Coding change: c.1282del on transcript NM_000277.3 (MANE Select); coding-DNA position 1282, one base deleted (C; older notation c.1282delC).
Protein change: p.Gln428fs; shifts the reading frame from glutamine 428.
Molecular consequence: frameshift variant.
Genome position (GRCh38, 1-based): chr12:102,840,433, G deleted on the plus strand (C on the coding strand, the reverse complement: PAH is on the minus strand); the first of 3 consecutive G bases (chr12:102,840,433-102,840,435); deleting any one gives the same sequence. VCF-style (leftmost placement, unchanged base first): chr12-102840432-TG-T. GRCh37 (hg19) VCF-style: chr12-103234210-TG-T.
Other names: c.1282del, p.Gln428fs (NM_001354304.2); short protein forms Q428fs.
Identifiers: ClinVar variation 1185010 (VCV001185010.1), dbSNP rs2136631967, ClinGen allele CA16020989.